The following is an entry in ClinVar:

ClinVar aggregate classification (germline): Uncertain significance (1 of 4 stars; one submission).

gnomAD v4.1: 1 of 1,613,862 alleles (0.000062%); highest among the groups gnomAD compares: Admixed American, 0.0017%; no homozygotes.

Submission:

GeneDx
Classification: Uncertain significance. Last evaluated: 2025-02-05. Review status: criteria provided, single submitter. Criteria: GeneDx Variant Classification Process June 2021. Collection method: clinical testing. Allele origin: germline. Affected: yes.
Comment: Not observed at significant frequency in large population cohorts (gnomAD); In silico analysis supports that this missense variant has a deleterious effect on protein structure/function; Has not been previously published as pathogenic or benign to our knowledge

NM_003470.3(USP7):c.980A>C (p.Lys327Thr)

Gene: USP7 (ubiquitin specific peptidase 7; minus strand). Cytogenetic location: 16p13.2.
Variant type: single nucleotide variant.
Coding change: c.980A>C on transcript NM_003470.3 (MANE Select); coding-DNA position 980, A replaced by C.
Protein change: p.Lys327Thr; replaces lysine 327 with threonine.
Molecular consequence: missense variant. On other transcripts: non-coding transcript variant (1).
Genome position (GRCh38, 1-based): chr16:8,915,452, T>G on the plus strand (A>C on the coding strand, the complement: USP7 is on the minus strand). VCF-style: chr16-8915452-T-G. GRCh37 (hg19) VCF-style: chr16-9009309-T-G.
Other names: c.932A>C, p.Lys311Thr (NM_001286457.2); c.683A>C, p.Lys228Thr (NM_001286458.2); c.806A>C, p.Lys269Thr (NM_001321858.2); short protein forms K228T, K269T, K311T, K327T.
Identifiers: ClinVar variation 3383647 (VCV003383647.2).
Genomic context (GRCh38, chr16:8,915,452, plus strand): 5'-ATTCACATTCTAAAACCTTTAAAAATCATCTTTTAGAACTGGTAGCCACATACCACCATT[T>G]TGCCGCGGAATAATTTGGGTATGGTGCCCTCTACACAGGTGCCTTTCATCTTATTTTCCA-3'
Protein context (NP_003461.2, residues 317-337): EGTIPKLFRG[Lys327Thr]MVSYIQCKEV